The following is an entry in ClinVar:

NM_020975.6(RET):c.2731-13A>G

Gene: RET (ret proto-oncogene; plus strand). Cytogenetic location: 10q11.21.
Variant type: single nucleotide variant.
Coding change: c.2731-13A>G on transcript NM_020975.6 (MANE Select); 13 bases into the intron before coding-DNA position 2731, A replaced by G.
Molecular consequence: intron variant.
Genome position (GRCh38, 1-based): chr10:43,121,933, A>G. VCF-style: chr10-43121933-A-G. GRCh37 (hg19) VCF-style: chr10-43617381-A-G.
Other names: c.2731-13A>G (NM_020630.7, NM_001406743.1, NM_001406744.1 and 2 more transcripts); c.2596-13A>G (NM_001406765.1, NM_001406763.1); c.2335-13A>G (NM_001406772.1, NM_001406769.1); c.2293-13A>G (NM_001406773.1, NM_001406771.1); c.1834-13A>G (NM_001406782.1, NM_001406780.1, NM_001406779.1 and 1 more transcripts); c.1699-13A>G (NM_001406787.1); c.1714-13A>G (NM_001406785.1); c.2602-13A>G (NM_001406764.1, NM_001406762.1, NM_001406761.1); and 10 more.
Identifiers: ClinVar variation 1581984 (VCV001581984.11), dbSNP rs1223648532, ClinGen allele CA665312521.
Genomic context (GRCh38, chr10:43,121,933, plus strand): 5'-TGGCCTTCTCCTTTACCCCTCCTTCCTAGAGAGTTAGAGTAACTTCAATGTCTTTATTCC[A>G]TCTTCTCTTTAGGGTCGGATTCCAGTTAAATGGATGGCAATTGAATCCCTTTTTGATCAT-3'

ClinVar aggregate classification (germline): Likely benign. Review status: criteria provided, multiple submitters, no conflicts (2 of 4 stars). 4 submissions from 4 submitters: Likely benign (4). Last evaluated 2025-12-21.

Conditions:
Multiple endocrine neoplasia, type 2 (MEN2). Identifiers: Orphanet 653, MedGen C4048306, MONDO:0019003. Disease mechanism: gain of function.
Multiple endocrine neoplasia type 2A. Also called: Multiple Endocrine Neoplasia Type 2A (MEN2A); MULTIPLE ENDOCRINE NEOPLASIA, TYPE IIA; PTC SYNDROME; SIPPLE SYNDROME; MEN 2A; MEN-2A syndrome. Identifiers: Orphanet 247698, Orphanet 653, MedGen C0025268, MeSH D018813, MONDO:0008234, OMIM 171400.

Allele frequency attached by ClinVar (database versions not stated): gnomAD exomes below 0.00001.
gnomAD v4.1: 1 of 1,604,186 alleles (0.000062%); highest among the groups gnomAD compares: Non-Finnish European, 0.000085%; no homozygotes.

Submissions (4):

Labcorp Genetics (formerly Invitae), Labcorp
Classification: Likely benign for Multiple endocrine neoplasia, type 2. Last evaluated: 2025-12-21. Review status: criteria provided, single submitter. Criteria: Invitae Variant Classification Sherloc (09022015). Collection method: clinical testing. Allele origin: germline.

Myriad Genetics, Inc.
Classification: Likely benign for Multiple endocrine neoplasia type 2A. Last evaluated: 2025-02-27. Review status: criteria provided, single submitter. Criteria: Myriad Autosomal Dominant, Autosomal Recessive and X-Linked Classification Criteria (2023). Collection method: clinical testing. Allele origin: unknown.
Comment: This variant is considered likely benign. This variant is intronic and is not expected to impact mRNA splicing.

All of Us Research Program, National Institutes of Health
Classification: Likely benign for Multiple endocrine neoplasia, type 2. Last evaluated: 2023-10-06. Review status: criteria provided, single submitter. Criteria: ACMG Guidelines, 2015. Collection method: clinical testing. Allele origin: germline. Inheritance: Autosomal dominant inheritance. Observed: 1 variant allele, 1 heterozygote.
Comment: This study involves interpretation of variants in research participants for the purpose of population health screening. Participant phenotype was not available at the time of variant classification. Additional details can be found in publication PMID: 35346344, PMCID: PMC8962531

Color Diagnostics, LLC DBA Color Health
Classification: Likely benign for Multiple endocrine neoplasia, type 2. Last evaluated: 2023-09-20. Review status: criteria provided, single submitter. Criteria: ACMG Guidelines, 2015. Collection method: clinical testing. Allele origin: germline.